The following is an entry in ClinVar:

NM_001014987.2(LAT):c.337G>A (p.Glu113Lys)

Gene: LAT (linker for activation of T cells; plus strand). Cytogenetic location: 16p11.2.
Variant type: single nucleotide variant.
Coding change: c.337G>A on transcript NM_001014987.2 (MANE Select); coding-DNA position 337, G replaced by A.
Protein change: p.Glu113Lys; replaces glutamic acid 113 with lysine.
Molecular consequence: missense variant.
Genome position (GRCh38, 1-based): chr16:28,986,566, G>A. VCF-style: chr16-28986566-G-A. GRCh37 (hg19) VCF-style: chr16-28997887-G-A.
Other names: c.334G>A, p.Glu112Lys (NM_001014988.2); c.445G>A, p.Glu149Lys (NM_001014989.2); c.337G>A, p.Glu113Lys (NM_014387.4); short protein forms E112K, E113K, E149K.
Identifiers: ClinVar variation 1433446 (VCV001433446.6), dbSNP rs966408577, ClinGen allele CA279252841.

ClinVar aggregate classification (germline): Uncertain significance (1 of 4 stars; one submission).

Allele frequency attached by ClinVar (database versions not stated): gnomAD exomes below 0.00001; gnomAD 0.00001 and 0.00002; TOPMed 0.00002.
gnomAD v4.1: 8 of 1,612,992 alleles (0.0005%); highest among the groups gnomAD compares: African/African-American, 0.0013%; no homozygotes.

Submission:

Labcorp Genetics (formerly Invitae), Labcorp
Classification: Uncertain significance. Last evaluated: 2021-10-24. Review status: criteria provided, single submitter. Criteria: Invitae Variant Classification Sherloc (09022015). Collection method: clinical testing. Allele origin: germline.
Comment: In summary, the available evidence is currently insufficient to determine the role of this variant in disease. Therefore, it has been classified as a Variant of Uncertain Significance. Algorithms developed to predict the effect of missense changes on protein structure and function are either unavailable or do not agree on the potential impact of this missense change (SIFT: "Deleterious"; PolyPhen-2: "Benign"; Align-GVGD: "Class C15"). This variant has not been reported in the literature in individuals affected with LAT-related conditions. This variant is not present in population databases (ExAC no frequency). This sequence change replaces glutamic acid with lysine at codon 113 of the LAT protein (p.Glu113Lys). The glutamic acid residue is highly conserved and there is a small physicochemical difference between glutamic acid and lysine.